The following is an entry in ClinVar:

NM_033109.5(PNPT1):c.1882T>C (p.Leu628=)

Gene: PNPT1 (polyribonucleotide nucleotidyltransferase 1; minus strand). Cytogenetic location: 2p16.1.
Variant type: single nucleotide variant.
Coding change: c.1882T>C on transcript NM_033109.5 (MANE Select); coding-DNA position 1882, T replaced by C.
Protein change: p.Leu628=; no amino-acid change (leucine 628 retained).
Molecular consequence: synonymous variant.
Genome position (GRCh38, 1-based): chr2:55,644,661, A>G on the plus strand (T>C on the coding strand, the complement: PNPT1 is on the minus strand). VCF-style: chr2-55644661-A-G. GRCh37 (hg19) VCF-style: chr2-55871796-A-G.
Identifiers: ClinVar variation 5039497 (VCV005039497.1).

ClinVar aggregate classification (germline): Likely benign (1 of 4 stars; one submission).

gnomAD v4.1: 2 of 1,611,756 alleles (0.00012%); highest among the groups gnomAD compares: Non-Finnish European, 0.00017%; no homozygotes.

Submission:

CeGaT Center for Human Genetics Tuebingen
Classification: Likely benign. Last evaluated: 2026-07-01. Review status: criteria provided, single submitter. Criteria: CeGaT Center For Human Genetics Tuebingen Variant Classification Criteria Version 2. Collection method: clinical testing. Allele origin: germline. Affected: yes. Observed: 1 variant allele.
Comment: PNPT1: BP4, BP7